The following is an entry in ClinVar:

ClinVar aggregate classification (germline): Pathogenic (1 of 4 stars; one submission).

Conditions:
Alport syndrome. Also called: Hemorrhagic familial nephritis; Hemorrhagic hereditary nephritis; Congenital hereditary hematuria. Identifiers: Orphanet 63, MedGen C1567741, MONDO:0018965.

Submission:

Myriad Genetics, Inc.
Classification: Pathogenic for Alport syndrome. Last evaluated: 2023-09-27. Review status: criteria provided, single submitter. Criteria: Myriad Autosomal Dominant, Autosomal Recessive and X-Linked Classification Criteria (2023). Collection method: clinical testing. Allele origin: unknown.
Comment: NM_000092.4(COL4A4):c.1889dupC(G631Rfs*26) is expected to be pathogenic in the context of Alport syndrome, COL4A4-related. This variant is predicted to lead to an abnormal or absent protein product due to the creation of a premature termination codon in COL4A4, a gene where loss-of-function variants are known to be pathogenic. Please note: this variant was assessed in the context of healthy population screening.

NM_000092.5(COL4A4):c.1889dup (p.Gly631fs)

Gene: COL4A4 (collagen type IV alpha 4 chain; minus strand). Cytogenetic location: 2q36.3.
Variant type: Duplication.
Coding change: c.1889dup on transcript NM_000092.5 (MANE Select); coding-DNA position 1889, one base duplicated (C; older notation c.1889dupC).
Protein change: p.Gly631fs; shifts the reading frame from glycine 631.
Molecular consequence: frameshift variant.
Genome position (GRCh38, 1-based): chr2:227,077,992, G duplicated on the plus strand (C on the coding strand, the reverse complement: COL4A4 is on the minus strand); the first of 5 consecutive G bases (chr2:227,077,992-227,077,996); duplicating any one gives the same sequence. VCF-style (leftmost placement, unchanged base first): chr2-227077991-T-TG. GRCh37 (hg19) VCF-style: chr2-227942707-T-TG.
Other names: short protein forms G631fs.
Identifiers: ClinVar variation 5012259 (VCV005012259.1).